The following is an entry in ClinVar:

NM_025152.3(NUBPL):c.514-271G>A

Gene: NUBPL (NUBP iron-sulfur cluster assembly factor, mitochondrial; plus strand). Cytogenetic location: 14q12.
Variant type: single nucleotide variant.
Coding change: c.514-271G>A on transcript NM_025152.3 (MANE Select); 271 bases into the intron before coding-DNA position 514, G replaced by A.
Molecular consequence: intron variant.
Genome position (GRCh38, 1-based): chr14:31,787,509, G>A. VCF-style: chr14-31787509-G-A. GRCh37 (hg19) VCF-style: chr14-32256715-G-A.
Other names: c.226-271G>A (NM_001201573.2); c.-36-271G>A (NM_001201574.2).
Identifiers: ClinVar variation 683236 (VCV000683236.1), dbSNP rs8020874, ClinGen allele CA13988706.
Genomic context (GRCh38, chr14:31,787,509, plus strand): 5'-CTTCTTTAGGCAAAATGTGGGCTACACCCAGTAAAAATAAGTGAATGGTCCTGAATAGAA[G>A]CCTACTGAGAAGTGAGTTCAACATTAACGTGTGTGTATGCGGATGAGTCATCTGGAAATT-3'

ClinVar aggregate classification (germline): Benign (1 of 4 stars; one submission).

Allele frequency attached by ClinVar (database versions not stated): gnomAD 0.12261 and 0.13120; 1000 Genomes Project 0.13399; TOPMed 0.13991; 1000 Genomes Project 30x 0.14241.
gnomAD v4.1: 18,623 of 152,114 alleles (12%); highest among the groups gnomAD compares: African/African-American, 38%; 3,082 homozygotes.

Submission:

GeneDx
Classification: Benign. Last evaluated: 2018-06-14. Review status: criteria provided, single submitter. Criteria: GeneDx Variant Classification (06012015). Collection method: clinical testing. Allele origin: germline. Affected: yes.
Comment: This variant is considered likely benign or benign based on one or more of the following criteria: it is a conservative change, it occurs at a poorly conserved position in the protein, it is predicted to be benign by multiple in silico algorithms, and/or has population frequency not consistent with disease.